The following is an entry in ClinVar:

NM_005360.5(MAF):c.1015C>A (p.Arg339Ser)

Gene: MAF (MAF bZIP transcription factor; minus strand). Cytogenetic location: 16q23.2.
Variant type: single nucleotide variant.
Coding change: c.1015C>A on transcript NM_005360.5 (MANE Select); coding-DNA position 1015, C replaced by A.
Protein change: p.Arg339Ser; replaces arginine 339 with serine.
Molecular consequence: missense variant.
Genome position (GRCh38, 1-based): chr16:79,598,888, G>T on the plus strand (C>A on the coding strand, the complement: MAF is on the minus strand). VCF-style: chr16-79598888-G-T. GRCh37 (hg19) VCF-style: chr16-79632785-G-T.
Other names: c.1015C>A, p.Arg339Ser (NM_001031804.3); short protein forms R339S.
Identifiers: ClinVar variation 3895735 (VCV003895735.1).
Genomic context (GRCh38, chr16:79,598,888, plus strand): 5'-TTTCTCGGAAGCCGCTGCTCACCAACTTCTCGTATTTCTCCTTGTACGCGTCCCTCTCGC[G>T]CACCAGCCTGGAGATCTCCTGCTTGAGGTGGTCGACTTGCTGCAGCAGCTGGTTCTTCTC-3'
Protein context (NP_005351.2, residues 329-349): HLKQEISRLV[Arg339Ser]ERDAYKEKYE

ClinVar aggregate classification (germline): Uncertain significance (1 of 4 stars; one submission).

gnomAD v4.1: 8 of 1,613,712 alleles (0.0005%); highest among the groups gnomAD compares: Non-Finnish European, 0.00059%; no homozygotes.

Submission:

Women's Health and Genetics/Laboratory Corporation of America, LabCorp
Classification: Uncertain significance. Last evaluated: 2025-03-10. Review status: criteria provided, single submitter. Criteria: LabCorp Variant Classification Summary - May 2015. Collection method: clinical testing. Allele origin: germline.
Comment: Variant summary: MAF c.1015C>A (p.Arg339Ser) results in a non-conservative amino acid change in the encoded protein sequence. Five of five in-silico tools predict a damaging effect of the variant on protein function. The variant allele was found at a frequency of 8e-06 in 251306 control chromosomes. The available data on variant occurrences in the general population are insufficient to allow any conclusion about variant significance. To our knowledge, no occurrence of c.1015C>A in individuals affected with MAF-Related Disorders and no experimental evidence demonstrating its impact on protein function have been reported. No submitters have cited clinical-significance assessments for this variant to ClinVar. Based on the evidence outlined above, the variant was classified as uncertain significance.